The following is an entry in ClinVar:

NM_000138.5(FBN1):c.2021del (p.Leu674fs)

Gene: FBN1 (fibrillin 1; minus strand). Cytogenetic location: 15q21.1.
Variant type: Deletion.
Coding change: c.2021del on transcript NM_000138.5 (MANE Select); coding-DNA position 2021, one base deleted (T; older notation c.2021delT).
Protein change: p.Leu674fs; shifts the reading frame from leucine 674.
Molecular consequence: frameshift variant.
Genome position (GRCh38, 1-based): chr15:48,503,879, A deleted on the plus strand (T on the coding strand, the reverse complement: FBN1 is on the minus strand); the first of 3 consecutive A bases (chr15:48,503,879-48,503,881); deleting any one gives the same sequence. VCF-style (leftmost placement, unchanged base first): chr15-48503878-CA-C. GRCh37 (hg19) VCF-style: chr15-48796075-CA-C.
Other names: c.2019delT, p.Leu674Cysfs (NM_001406716.1); short protein forms L674fs.
Identifiers: ClinVar variation 2076087 (VCV002076087.4), dbSNP rs2505591226, ClinGen allele CA2580089581.

ClinVar aggregate classification (germline): Pathogenic (1 of 4 stars; one submission).

Conditions:
Familial thoracic aortic aneurysm and aortic dissection (TAAD). Also called: Thoracic aortic aneurysms and dissections. Identifiers: Orphanet 91387, MedGen C4707243, MONDO:0019625.
Marfan syndrome (MFS). Also called: MARFAN SYNDROME, TYPE I; Marfan syndrome type 1; Marfan's syndrome; Marfan syndrome, classic; FBN1-Related Marfan Syndrome. Identifiers: Orphanet 284963, Orphanet 558, MedGen C0024796, MONDO:0007947, OMIM 154700.

Submission:

Labcorp Genetics (formerly Invitae), Labcorp
Classification: Pathogenic for Marfan syndrome; Familial thoracic aortic aneurysm and aortic dissection. Last evaluated: 2022-01-06. Review status: criteria provided, single submitter. Criteria: Invitae Variant Classification Sherloc (09022015). Collection method: clinical testing. Allele origin: germline.
Comment: This sequence change creates a premature translational stop signal (p.Leu674Cysfs*44) in the FBN1 gene. It is expected to result in an absent or disrupted protein product. Loss-of-function variants in FBN1 are known to be pathogenic (PMID: 17657824, 19293843). This variant is not present in population databases (gnomAD no frequency). This variant has not been reported in the literature in individuals affected with FBN1-related conditions. For these reasons, this variant has been classified as Pathogenic.

Literature cited by the submitters: PubMed 17657824; PubMed 19293843.